The following is an entry in ClinVar:

ClinVar aggregate classification (germline): Uncertain significance. Review status: criteria provided, multiple submitters, no conflicts (2 of 4 stars). 2 submissions from 2 submitters: Uncertain significance (2). Last evaluated 2024-04-15.

Conditions:
Familial adenomatous polyposis 1 (FAP1). Also called: FAMILIAL ADENOMATOUS POLYPOSIS 1, ATTENUATED; POLYPOSIS, ADENOMATOUS INTESTINAL. Identifiers: MedGen C2713442, MONDO:0021056, OMIM 175100. Disease mechanism: loss of function.
Colorectal cancer. Also called: Colorectal cancer, somatic; Malignant Colorectal Neoplasm. Identifiers: MedGen C0346629, MONDO:0005575, OMIM 114500.
Gastric adenocarcinoma and proximal polyposis of the stomach (GAPPS). Also called: Polyposis, gastric, Dos Santos and de Magalhaes 1980; POLYPOSIS, GASTRIC; Gastric Adenocarcinoma and Proximal Polyposis of the Stomach (GAPPS). Identifiers: Orphanet 314022, MedGen C4749917, MONDO:0017790, OMIM 619182.
Desmoid disease, hereditary (DESMD). Also called: FIBROMATOSIS, FAMILIAL INFILTRATIVE. Identifiers: Orphanet 873, MedGen C1851124, OMIM 135290. Disease mechanism: loss of function.
Hepatocellular carcinoma (HCC). Also called: Primary carcinoma of liver; HEPATOMA; LIVER CELL CARCINOMA. Identifiers: Orphanet 88673, MedGen C2239176, MONDO:0007256, OMIM 114550, HP:0001402.
Gastric cancer. Also called: Stomach cancer; Malignant tumor of stomach. Identifiers: MedGen C0024623, MeSH D013274, MONDO:0001056, OMIM 613659, HP:0012126.

Allele frequency attached by ClinVar (database versions not stated): gnomAD exomes below 0.00001.
gnomAD v4.1: 2 of 1,370,650 alleles (0.00015%); highest among the groups gnomAD compares: African/African-American, 0.0029%; no homozygotes.

Submissions (2):

Labcorp Genetics (formerly Invitae), Labcorp
Classification: Uncertain significance for Familial adenomatous polyposis 1. Last evaluated: 2024-04-15. Review status: criteria provided, single submitter. Criteria: Invitae Variant Classification Sherloc (09022015). Collection method: clinical testing. Allele origin: germline.
Comment: This variant occurs in a non-coding region of the APC gene. It does not change the encoded amino acid sequence of the APC protein. This variant is not present in population databases (gnomAD no frequency). This variant has not been reported in the literature in individuals affected with APC-related conditions. Experimental studies and prediction algorithms are not available or were not evaluated, and the functional significance of this variant is currently unknown. In summary, the available evidence is currently insufficient to determine the role of this variant in disease. Therefore, it has been classified as a Variant of Uncertain Significance.

Fulgent Genetics
Classification: Uncertain significance for Colorectal cancer; Hepatocellular carcinoma; Desmoid disease, hereditary; Familial adenomatous polyposis 1; Gastric cancer; Gastric adenocarcinoma and proximal polyposis of the stomach. Last evaluated: 2024-03-18. Review status: criteria provided, single submitter. Criteria: ACMG Guidelines, 2015. Collection method: clinical testing. Allele origin: germline.

NM_001127511.3(APC):c.9C>T (p.Ala3=)

Gene: APC (APC regulator of Wnt signaling pathway; plus strand). Cytogenetic location: 5q22.2.
Variant type: single nucleotide variant.
Coding change: c.9C>T on transcript NM_001127511.3; coding-DNA position 9, C replaced by T.
Protein change: p.Ala3=; no amino-acid change (alanine 3 retained).
Molecular consequence: synonymous variant. On other transcripts: 5 prime UTR variant (8), non-coding transcript variant (1), intron variant (5), genic upstream transcript variant (1).
Genome position (GRCh38, 1-based): chr5:112,707,726, C>T. VCF-style: chr5-112707726-C-T. GRCh37 (hg19) VCF-style: chr5-112043423-C-T.
Other names: c.-175C>T (NM_001354895.2, NM_001407447.1, NM_001407452.1 and 3 more transcripts); c.9C>T, p.Ala3= (NM_001354897.2, NM_001354902.2, NM_001407446.1); c.-1210C>T (NM_001407470.1, NM_001407472.1); c.-19+77C>T (NM_001407448.1, NM_001407450.1, NM_001407457.1 and 1 more transcripts); c.-43+77C>T (NM_001407453.1); c.-30218C>T (NM_000038.6).
Identifiers: ClinVar variation 1009800 (VCV001009800.11), dbSNP rs1750602563, ClinGen allele CA1573442678.
Genomic context (GRCh38, chr5:112,707,726, plus strand): 5'-TTGGTGAGGAAGGTGAAGCACTCAGTTGCCTTCTCGGGCCTCGGCGCCCCCTATGTACGC[C>T]TCCCTGGGCTCGGGTCCGGTCGCCCCTTTGCCCGCTTCTGTACCACCCTCAGTTCTCGGG-3'